The following is an entry in ClinVar:

ClinVar aggregate classification (germline): Uncertain significance (1 of 4 stars; one submission).

Allele frequency attached by ClinVar (database versions not stated): 1000 Genomes Project 0.00020; 1000 Genomes Project 30x 0.00016.
gnomAD v4.1: 18 of 1,612,142 alleles (0.0011%); highest among the groups gnomAD compares: East Asian, 0.0089%; no homozygotes.

Submission:

Labcorp Genetics (formerly Invitae), Labcorp
Classification: Uncertain significance. Last evaluated: 2024-09-16. Review status: criteria provided, single submitter. Criteria: Invitae Variant Classification Sherloc (09022015). Collection method: clinical testing. Allele origin: germline.
Comment: This sequence change replaces alanine, which is neutral and non-polar, with threonine, which is neutral and polar, at codon 250 of the ITM2B protein (p.Ala250Thr). This variant is present in population databases (rs578006622, gnomAD 0.01%). This variant has not been reported in the literature in individuals affected with ITM2B-related conditions. ClinVar contains an entry for this variant (Variation ID: 1904251). Invitae Evidence Modeling of protein sequence and biophysical properties (such as structural, functional, and spatial information, amino acid conservation, physicochemical variation, residue mobility, and thermodynamic stability) indicates that this missense variant is not expected to disrupt ITM2B protein function with a negative predictive value of 80%. In summary, the available evidence is currently insufficient to determine the role of this variant in disease. Therefore, it has been classified as a Variant of Uncertain Significance.

NM_021999.5(ITM2B):c.748G>A (p.Ala250Thr)

Gene: ITM2B (integral membrane protein 2B; plus strand). Cytogenetic location: 13q14.2.
Variant type: single nucleotide variant.
Coding change: c.748G>A on transcript NM_021999.5 (MANE Select); coding-DNA position 748, G replaced by A.
Protein change: p.Ala250Thr; replaces alanine 250 with threonine.
Molecular consequence: missense variant.
Genome position (GRCh38, 1-based): chr13:48,261,171, G>A. VCF-style: chr13-48261171-G-A. GRCh37 (hg19) VCF-style: chr13-48835307-G-A.
Other names: short protein forms A250T.
Identifiers: ClinVar variation 1904251 (VCV001904251.5), dbSNP rs578006622, ClinGen allele CA6978858.